The following is an entry in ClinVar:

ClinVar aggregate classification (germline): Uncertain significance (1 of 4 stars; one submission).

gnomAD v4.1: 9 of 1,606,104 alleles (0.00056%); highest among the groups gnomAD compares: Non-Finnish European, 0.00077%; no homozygotes.

Submission:

Mayo Clinic Laboratories, Mayo Clinic
Classification: Uncertain significance. Last evaluated: 2025-04-23. Review status: criteria provided, single submitter. Criteria: ACMG Guidelines, 2015. Collection method: clinical testing. Allele origin: germline. Observed: 1 variant allele.
Comment: BP4, PM2_supporting

NM_001374736.1(DST):c.14435A>G (p.Glu4812Gly)

Gene: DST (dystonin; minus strand). Cytogenetic location: 6p12.1.
Variant type: single nucleotide variant.
Coding change: c.14435A>G on transcript NM_001374736.1 (MANE Select); coding-DNA position 14435, A replaced by G.
Protein change: p.Glu4812Gly; replaces glutamic acid 4812 with glycine.
Molecular consequence: missense variant.
Genome position (GRCh38, 1-based): chr6:56,560,299, T>C on the plus strand (A>G on the coding strand, the complement: DST is on the minus strand). VCF-style: chr6-56560299-T-C. GRCh37 (hg19) VCF-style: chr6-56425097-T-C.
Other names: p.Glu2189Gly; c.8078A>G, p.Glu2693Gly (NM_001144769.5); c.7664A>G, p.Glu2555Gly (NM_001144770.2); c.14435A>G, p.Glu4812Gly (NM_001374722.1); c.13802A>G, p.Glu4601Gly (NM_001374729.1); c.7544A>G, p.Glu2515Gly (NM_001374730.1, NM_001386100.1, NM_183380.4); c.14462A>G, p.Glu4821Gly (NM_001374734.1); c.6566A>G, p.Glu2189Gly (NM_015548.5); short protein forms E2693G, E4812G, E2515G, E4601G, E4821G, E2189G, E2555G.
Identifiers: ClinVar variation 4541175 (VCV004541175.1).